The following is an entry in ClinVar:

NM_001374736.1(DST):c.3160C>G (p.Leu1054Val)

Gene: DST (dystonin; minus strand). Cytogenetic location: 6p12.1.
Variant type: single nucleotide variant.
Coding change: c.3160C>G on transcript NM_001374736.1 (MANE Select); coding-DNA position 3160, C replaced by G.
Protein change: p.Leu1054Val; replaces leucine 1054 with valine.
Molecular consequence: missense variant.
Genome position (GRCh38, 1-based): chr6:56,635,615, G>C on the plus strand (C>G on the coding strand, the complement: DST is on the minus strand). VCF-style: chr6-56635615-G-C. GRCh37 (hg19) VCF-style: chr6-56500413-G-C.
Other names: c.3061C>G, p.Leu1021Val (NM_001144769.5); c.2647C>G, p.Leu883Val (NM_001144770.2); c.3160C>G, p.Leu1054Val (NM_001374722.1); c.2527C>G, p.Leu843Val (NM_001374729.1, NM_001374730.1, NM_001386100.1 and 1 more transcripts); c.3187C>G, p.Leu1063Val (NM_001374734.1); c.1549C>G, p.Leu517Val (NM_001723.7, NM_015548.5); short protein forms L1021V, L1054V, L1063V, L517V, L843V, L883V.
Identifiers: ClinVar variation 2135084 (VCV002135084.4), dbSNP rs2537072499, ClinGen allele CA364576593.
Genomic context (GRCh38, chr6:56,635,615, plus strand): 5'-ATACTTATAAAATGCATAGGTTTTGTATTAGTACCATTGATTCCTGAACAAGGTCTTCTA[G>C]CTTGTGAATGCTGCTTGATCTATCACAGCTGTACTTCCGCTGAATGGCATCTTTTAGATT-3'
Protein context (NP_001361665.1, residues 1044-1064): SCDRSSSIHK[Leu1054Val]EDLVQESMEE

ClinVar aggregate classification (germline): Uncertain significance (1 of 4 stars; one submission).

Conditions:
Hereditary sensory and autonomic neuropathy type 6. Also called: Neuropathy, hereditary sensory and autonomic, type VI; HSAN VI. Identifiers: Orphanet 314381, MedGen C3539003, MONDO:0013839, OMIM 614653.
Epidermolysis bullosa simplex 3, localized or generalized intermediate, with BP230 deficiency (EBS3). Also called: Epidermolysis bullosa simplex due to BP230 deficiency; Epidermolysis bullosa simplex, autosomal recessive 2. Identifiers: Orphanet 412181, MedGen C3809470, MONDO:0014180, OMIM 615425.

Submission:

Labcorp Genetics (formerly Invitae), Labcorp
Classification: Uncertain significance for Epidermolysis bullosa simplex 3, localized or generalized intermediate, with BP230 deficiency; Hereditary sensory and autonomic neuropathy type 6. Last evaluated: 2022-11-10. Review status: criteria provided, single submitter. Criteria: Invitae Variant Classification Sherloc (09022015). Collection method: clinical testing. Allele origin: germline.
Comment: Algorithms developed to predict the effect of missense changes on protein structure and function (SIFT, PolyPhen-2, Align-GVGD) all suggest that this variant is likely to be disruptive. In summary, the available evidence is currently insufficient to determine the role of this variant in disease. Therefore, it has been classified as a Variant of Uncertain Significance. Algorithms developed to predict the effect of sequence changes on RNA splicing suggest that this variant may create or strengthen a splice site. This variant has not been reported in the literature in individuals affected with DST-related conditions. This variant is not present in population databases (gnomAD no frequency). This sequence change replaces leucine, which is neutral and non-polar, with valine, which is neutral and non-polar, at codon 517 of the DST protein (p.Leu517Val).